The following is an entry in ClinVar:

NM_001267550.2(TTN):c.89054A>G (p.Lys29685Arg)

Genes: TTN (titin; minus strand), TTN-AS1 (TTN antisense RNA 1; plus strand). Cytogenetic location: 2q31.2.
Variant type: single nucleotide variant.
Coding change: c.89054A>G on transcript NM_001267550.2 (MANE Select); coding-DNA position 89054, A replaced by G.
Protein change: p.Lys29685Arg; replaces lysine 29685 with arginine.
Molecular consequence: missense variant.
Genome position (GRCh38, 1-based): chr2:178,554,057, T>C on the plus strand (A>G on the coding strand, the complement: TTN is on the minus strand). VCF-style: chr2-178554057-T-C. GRCh37 (hg19) VCF-style: chr2-179418784-T-C.
Other names: c.84131A>G, p.Lys28044Arg (NM_001256850.1); c.61859A>G, p.Lys20620Arg (NM_003319.4); c.81350A>G, p.Lys27117Arg (NM_133378.4); c.62234A>G, p.Lys20745Arg (NM_133432.3); c.62435A>G, p.Lys20812Arg (NM_133437.4); short protein forms K20745R, K20812R, K28044R, K29685R, K20620R, K27117R.
Identifiers: ClinVar variation 917590 (VCV000917590.4), dbSNP rs773157007, ClinGen allele CA1987994.

ClinVar aggregate classification (germline): Uncertain significance. Review status: criteria provided, multiple submitters, no conflicts (2 of 4 stars). 2 submissions from 2 submitters: Uncertain significance (2). Last evaluated 2020-01-27.

Allele frequency attached by ClinVar (database versions not stated): gnomAD exomes 0.00001 and 0.00002; TOPMed 0.00001; ExAC 0.00002.
gnomAD v4.1: 4 of 1,613,882 alleles (0.00025%); highest among the groups gnomAD compares: Admixed American, 0.0067%; no homozygotes.

Submissions (2):

Women's Health and Genetics/Laboratory Corporation of America, LabCorp
Classification: Uncertain significance. Last evaluated: 2020-01-27. Review status: criteria provided, single submitter. Criteria: LabCorp Variant Classification Summary - May 2015. Collection method: clinical testing. Allele origin: germline.
Comment: Variant summary: TTN c.81350A>G (p.Lys27117Arg) results in a conservative amino acid change located in the A band of the encoded protein sequence. Three of five in-silico tools predict a damaging effect of the variant on protein function. The variant allele was found at a frequency of 1.6e-05 in 248620 control chromosomes (gnomAD). The available data on variant occurrences in the general population are insufficient to allow any conclusion about variant significance. To our knowledge, no occurrence of c.81350A>G in individuals affected with Cardiomyopathy and no experimental evidence demonstrating its impact on protein function have been reported. No clinical diagnostic laboratories have submitted clinical-significance assessments for this variant to ClinVar after 2014. Based on the evidence outlined above, the variant was classified as uncertain significance.

Revvity Omics, Revvity
Classification: Uncertain significance. Last evaluated: 2019-11-15. Review status: criteria provided, single submitter. Criteria: ACMG Guidelines, 2015. Collection method: clinical testing. Allele origin: germline.